The following is an entry in ClinVar:

ClinVar aggregate classification (germline): Uncertain significance. Review status: criteria provided, multiple submitters, no conflicts (2 of 4 stars). 4 submissions from 4 submitters: Uncertain significance (4). Last evaluated 2025-02-20.

Conditions:
Short-rib thoracic dysplasia 10 with or without polydactyly (SRTD10). Identifiers: Orphanet 474, MedGen C3810175, MONDO:0014284, OMIM 615630.
Retinitis pigmentosa 71 (RP71). Identifiers: Orphanet 791, MedGen C4225342, MONDO:0014618, OMIM 616394.
Bardet-Biedl syndrome 20. Identifiers: MedGen C4310707, MONDO:0023670, OMIM 619471, MONDO:0014926.
Inborn genetic diseases. Identifiers: MedGen C0950123, MeSH D030342.

Allele frequency attached by ClinVar (database versions not stated): gnomAD 0.00001; TOPMed 0.00002; ExAC 0.00004.

Submissions (4):

Ambry Genetics
Classification: Uncertain significance for Inborn genetic diseases. Last evaluated: 2025-02-20. Review status: criteria provided, single submitter. Criteria: Ambry Variant Classification Scheme 2023. Collection method: clinical testing. Allele origin: germline.

Blueprint Genetics
Classification: Uncertain significance. Last evaluated: 2023-08-28. Review status: criteria provided, single submitter. Criteria: ACMG Guidelines, 2015. Collection method: clinical testing. Allele origin: germline.

Labcorp Genetics (formerly Invitae), Labcorp
Classification: Uncertain significance for Retinitis pigmentosa 71; Short-rib thoracic dysplasia 10 with or without polydactyly. Last evaluated: 2023-08-10. Review status: criteria provided, single submitter. Criteria: Invitae Variant Classification Sherloc (09022015). Collection method: clinical testing. Allele origin: germline.
Comment: In summary, the available evidence is currently insufficient to determine the role of this variant in disease. Therefore, it has been classified as a Variant of Uncertain Significance. Advanced modeling of protein sequence and biophysical properties (such as structural, functional, and spatial information, amino acid conservation, physicochemical variation, residue mobility, and thermodynamic stability) performed at Invitae indicates that this missense variant is expected to disrupt IFT172 protein function. ClinVar contains an entry for this variant (Variation ID: 1036709). This variant has not been reported in the literature in individuals affected with IFT172-related conditions. This variant is present in population databases (rs755816980, gnomAD 0.06%). This sequence change replaces arginine, which is basic and polar, with cysteine, which is neutral and slightly polar, at codon 367 of the IFT172 protein (p.Arg367Cys).

Fulgent Genetics
Classification: Uncertain significance for Short-rib thoracic dysplasia 10 with or without polydactyly; Retinitis pigmentosa 71; Bardet-Biedl syndrome 20. Last evaluated: 2021-08-23. Review status: criteria provided, single submitter. Criteria: ACMG Guidelines, 2015. Collection method: clinical testing. Allele origin: unknown.

NM_015662.3(IFT172):c.1099C>T (p.Arg367Cys)

Gene: IFT172 (intraflagellar transport 172; minus strand). Cytogenetic location: 2p23.3.
Variant type: single nucleotide variant.
Coding change: c.1099C>T on transcript NM_015662.3 (MANE Select); coding-DNA position 1099, C replaced by T.
Protein change: p.Arg367Cys; replaces arginine 367 with cysteine.
Molecular consequence: missense variant.
Genome position (GRCh38, 1-based): chr2:27,478,063, G>A on the plus strand (C>T on the coding strand, the complement: IFT172 is on the minus strand). VCF-style: chr2-27478063-G-A. GRCh37 (hg19) VCF-style: chr2-27700930-G-A.
Other names: c.1099C>T (NM_015662.1); short protein forms R367C.
Identifiers: ClinVar variation 1036709 (VCV001036709.10), dbSNP rs755816980, ClinGen allele CA1580774.